The following is an entry in ClinVar:

NM_207361.6(FREM2):c.8147T>C (p.Ile2716Thr)

Genes: FREM2 (FRAS1 related extracellular matrix 2; plus strand), LOC130009588 (ATAC-STARR-seq lymphoblastoid silent region 5274; plus strand). Cytogenetic location: 13q13.3.
Variant type: single nucleotide variant.
Coding change: c.8147T>C on transcript NM_207361.6 (MANE Select); coding-DNA position 8147, T replaced by C.
Protein change: p.Ile2716Thr; replaces isoleucine 2716 with threonine.
Molecular consequence: missense variant.
Genome position (GRCh38, 1-based): chr13:38,872,905, T>C. VCF-style: chr13-38872905-T-C. GRCh37 (hg19) VCF-style: chr13-39447042-T-C.
Other names: c.8147T>C (NM_207361.4); short protein forms I2716T.
Identifiers: ClinVar variation 1942043 (VCV001942043.4), dbSNP rs144236455, ClinGen allele CA6956045.

ClinVar aggregate classification (germline): Uncertain significance. Review status: criteria provided, multiple submitters, no conflicts (2 of 4 stars). 2 submissions from 2 submitters: Uncertain significance (2). Last evaluated 2025-04-10.

Conditions:
Inborn genetic diseases. Identifiers: MedGen C0950123, MeSH D030342.

Allele frequency attached by ClinVar (database versions not stated): gnomAD 0.00003; gnomAD exomes 0.00007; ExAC 0.00011; ESP Exome Variant Server 0.00015; TOPMed 0.00003.
gnomAD v4.1: 106 of 1,613,828 alleles (0.0066%); highest among the groups gnomAD compares: Middle Eastern, 0.067%; 1 homozygote.

Submissions (2):

Ambry Genetics
Classification: Uncertain significance for Inborn genetic diseases. Last evaluated: 2025-04-10. Review status: criteria provided, single submitter. Criteria: Ambry Variant Classification Scheme 2023. Collection method: clinical testing. Allele origin: germline.

Labcorp Genetics (formerly Invitae), Labcorp
Classification: Uncertain significance. Last evaluated: 2022-05-21. Review status: criteria provided, single submitter. Criteria: Invitae Variant Classification Sherloc (09022015). Collection method: clinical testing. Allele origin: germline.
Comment: This sequence change replaces isoleucine, which is neutral and non-polar, with threonine, which is neutral and polar, at codon 2716 of the FREM2 protein (p.Ile2716Thr). This variant is present in population databases (rs144236455, gnomAD 0.05%). This variant has not been reported in the literature in individuals affected with FREM2-related conditions. Algorithms developed to predict the effect of missense changes on protein structure and function are either unavailable or do not agree on the potential impact of this missense change (SIFT: "Deleterious"; PolyPhen-2: "Probably Damaging"; Align-GVGD: "Class C0"). In summary, the available evidence is currently insufficient to determine the role of this variant in disease. Therefore, it has been classified as a Variant of Uncertain Significance.